The following is an entry in ClinVar:

NM_025179.4(PLXNA2):c.3131A>G (p.Gln1044Arg)

Gene: PLXNA2 (plexin A2; minus strand). Cytogenetic location: 1q32.2.
Variant type: single nucleotide variant.
Coding change: c.3131A>G on transcript NM_025179.4 (MANE Select); coding-DNA position 3131, A replaced by G.
Protein change: p.Gln1044Arg; replaces glutamine 1044 with arginine.
Molecular consequence: missense variant.
Genome position (GRCh38, 1-based): chr1:208,051,286, T>C on the plus strand (A>G on the coding strand, the complement: PLXNA2 is on the minus strand). VCF-style: chr1-208051286-T-C. GRCh37 (hg19) VCF-style: chr1-208224631-T-C.
Other names: short protein forms Q1044R.
Identifiers: ClinVar variation 2762467 (VCV002762467.3), dbSNP rs2526508065, ClinGen allele CA344564916.
Genomic context (GRCh38, chr1:208,051,286, plus strand): 5'-CAGGTGCATCCCTCCCACCTTCCACCTCACCTGGCAATGCTCCACTCTGGCTCGATGCGC[T>C]GGACCCGAGGGTCATCTATGTACTCAAACTGCAGGTTGCTATCCACATGGGCTCGGTCGA-3'
Protein context (NP_079455.3, residues 1034-1054): QFEYIDDPRV[Gln1044Arg]RIEPEWSIAS

ClinVar aggregate classification (germline): Uncertain significance (1 of 4 stars; one submission).

Submission:

Labcorp Genetics (formerly Invitae), Labcorp
Classification: Uncertain significance. Last evaluated: 2024-02-14. Review status: criteria provided, single submitter. Criteria: Invitae Variant Classification Sherloc (09022015). Collection method: clinical testing. Allele origin: germline.
Comment: This sequence change replaces glutamine, which is neutral and polar, with arginine, which is basic and polar, at codon 1044 of the PLXNA2 protein (p.Gln1044Arg). This variant is not present in population databases (gnomAD no frequency). This variant has not been reported in the literature in individuals affected with PLXNA2-related conditions. Advanced modeling of protein sequence and biophysical properties (such as structural, functional, and spatial information, amino acid conservation, physicochemical variation, residue mobility, and thermodynamic stability) performed at Invitae indicates that this missense variant is not expected to disrupt PLXNA2 protein function with a negative predictive value of 80%. In summary, the available evidence is currently insufficient to determine the role of this variant in disease. Therefore, it has been classified as a Variant of Uncertain Significance.